The following is an entry in ClinVar:

NM_001036.6(RYR3):c.9917A>G (p.His3306Arg)

Gene: RYR3 (ryanodine receptor 3; plus strand). Cytogenetic location: 15q14.
Variant type: single nucleotide variant.
Coding change: c.9917A>G on transcript NM_001036.6 (MANE Select); coding-DNA position 9917, A replaced by G.
Protein change: p.His3306Arg; replaces histidine 3306 with arginine.
Molecular consequence: missense variant.
Genome position (GRCh38, 1-based): chr15:33,800,856, A>G. VCF-style: chr15-33800856-A-G. GRCh37 (hg19) VCF-style: chr15-34093057-A-G.
Other names: c.9917A>G, p.His3306Arg (NM_001243996.4); short protein forms H3306R.
Identifiers: ClinVar variation 864543 (VCV000864543.6), dbSNP rs764702884, ClinGen allele CA7460651.
Genomic context (GRCh38, chr15:33,800,856, plus strand): 5'-CTGATTCTGACCAGCTCTTCCGCATGGTGGCAGAAGTCTTCATTCTGTGGTGTAAATCTC[A>G]TGTAAGAACACATTTGGGCCCTGGGTTTAGAATGGTTGTGAAAGCTGCAGACCGTGGAAA-3'
Protein context (NP_001027.3, residues 3296-3316): AEVFILWCKS[His3306Arg]NFKREEQNFV

ClinVar aggregate classification (germline): Uncertain significance (1 of 4 stars; one submission).

Conditions:
Epileptic encephalopathy. Identifiers: MedGen C0543888, HP:0200134.

Allele frequency attached by ClinVar (database versions not stated): gnomAD 0.00004; TOPMed 0.00004; ExAC 0.00010; gnomAD exomes 0.00010.
gnomAD v4.1: 49 of 1,600,774 alleles (0.0031%); highest among the groups gnomAD compares: East Asian, 0.11%; no homozygotes.

Submission:

Labcorp Genetics (formerly Invitae), Labcorp
Classification: Uncertain significance for Epileptic encephalopathy. Last evaluated: 2022-09-27. Review status: criteria provided, single submitter. Criteria: Invitae Variant Classification Sherloc (09022015). Collection method: clinical testing. Allele origin: germline.
Comment: This sequence change replaces histidine, which is basic and polar, with arginine, which is basic and polar, at codon 3306 of the RYR3 protein (p.His3306Arg). The frequency data for this variant in the population databases is considered unreliable, as metrics indicate poor data quality at this position in the gnomAD database. ClinVar contains an entry for this variant (Variation ID: 864543). Algorithms developed to predict the effect of missense changes on protein structure and function are either unavailable or do not agree on the potential impact of this missense change (SIFT: "Deleterious"; PolyPhen-2: "Possibly Damaging"; Align-GVGD: "Class C0"). Algorithms developed to predict the effect of sequence changes on RNA splicing suggest that this variant may disrupt the consensus splice site. In summary, the available evidence is currently insufficient to determine the role of this variant in disease. Therefore, it has been classified as a Variant of Uncertain Significance. This variant has not been reported in the literature in individuals affected with RYR3-related conditions.